The following is an entry in ClinVar:

NM_004820.5(CYP7B1):c.177C>G (p.Val59=)

Gene: CYP7B1 (cytochrome P450 family 7 subfamily B member 1; minus strand). Cytogenetic location: 8q12.3.
Variant type: single nucleotide variant.
Coding change: c.177C>G on transcript NM_004820.5 (MANE Select); coding-DNA position 177, C replaced by G.
Protein change: p.Val59=; no amino-acid change (valine 59 retained).
Molecular consequence: synonymous variant.
Genome position (GRCh38, 1-based): chr8:64,624,485, G>C on the plus strand (C>G on the coding strand, the complement: CYP7B1 is on the minus strand). VCF-style: chr8-64624485-G-C. GRCh37 (hg19) VCF-style: chr8-65537042-G-C.
Other names: c.177C>G, p.Val59= (NM_001324112.2); c.177C>G (NM_004820.4).
Identifiers: ClinVar variation 1638543 (VCV001638543.10), dbSNP rs763202430, ClinGen allele CA461121026.

ClinVar aggregate classification (germline): Likely benign. Review status: criteria provided, single submitter (1 of 4 stars). 2 submissions from 2 submitters: Likely benign (1). 1 of the submissions does not count toward it. Last evaluated 2024-10-27.

Conditions:
CYP7B1-related disorder. Also called: CYP7B1-related condition.
Spastic paraplegia. Identifiers: MedGen C0037772, HP:0001258.

Submissions (2):

Labcorp Genetics (formerly Invitae), Labcorp
Classification: Likely benign for Spastic paraplegia. Last evaluated: 2024-10-27. Review status: criteria provided, single submitter. Criteria: Invitae Variant Classification Sherloc (09022015). Collection method: clinical testing. Allele origin: germline.

PreventionGenetics, part of Exact Sciences
Classification: Likely benign for CYP7B1-related condition. Last evaluated: 2022-02-03. Review status: no assertion criteria provided. Collection method: clinical testing. Allele origin: germline. Not counted in ClinVar's aggregate classification.
Comment: This variant is classified as likely benign based on ACMG/AMP sequence variant interpretation guidelines (Richards et al. 2015 PMID: 25741868, with internal and published modifications).